The following is an entry in ClinVar:

ClinVar aggregate classification (germline): Likely benign (1 of 4 stars; one submission).

Submission:

CeGaT Center for Human Genetics Tuebingen
Classification: Likely benign. Last evaluated: 2025-01-01. Review status: criteria provided, single submitter. Criteria: CeGaT Center For Human Genetics Tuebingen Variant Classification Criteria Version 2. Collection method: clinical testing. Allele origin: germline. Affected: yes. Observed: 1 variant allele.
Comment: CPT1A: PM2:Supporting, BP4, BP7

NM_001876.4(CPT1A):c.510G>T (p.Ser170=)

Gene: CPT1A (carnitine palmitoyltransferase 1A; minus strand). Cytogenetic location: 11q13.3.
Variant type: single nucleotide variant.
Coding change: c.510G>T on transcript NM_001876.4 (MANE Select); coding-DNA position 510, G replaced by T.
Protein change: p.Ser170=; no amino-acid change (serine 170 retained).
Molecular consequence: synonymous variant.
Genome position (GRCh38, 1-based): chr11:68,804,045, C>A on the plus strand (G>T on the coding strand, the complement: CPT1A is on the minus strand). VCF-style: chr11-68804045-C-A. GRCh37 (hg19) VCF-style: chr11-68571513-C-A.
Other names: c.510G>T, p.Ser170= (NM_001031847.3).
Identifiers: ClinVar variation 3772301 (VCV003772301.13).
Genomic context (GRCh38, chr11:68,804,045, plus strand): 5'-CTAAGCCACACCTACCCTGTTCACAGTGTCTTTGACAGCCGGGACCGGCAGGCGAGGCAG[C>A]GATGTCTGGAAGCTGTACAACATGGGTTTTCGGCCTGAAAAGATCTTGACCATACCCTGA-3'
Protein context (NP_001867.2, residues 160-180): RKPMLYSFQT[Ser170=]LPRLPVPAVK